The following is an entry in ClinVar:

NM_001267550.2(TTN):c.28463-24AT[2]

Gene: TTN (titin; minus strand). Cytogenetic location: 2q31.2.
Variant type: Microsatellite.
Coding change: c.28463-24AT[2] on transcript NM_001267550.2 (MANE Select); two copies in a row of the 2-base unit AT starting at c.28463-24; the reference has three copies in a row; one copy, 2 bases deleted.
Molecular consequence: intron variant.
Genome position (GRCh38, 1-based): chr2:178,709,875-178,709,876, AT deleted on the plus strand (AT on the coding strand, the reverse complement: TTN is on the minus strand); deleting any 2 consecutive bases within chr2:178,709,875-178,709,880 gives the same sequence; the position shown is the placement nearest the transcript's 3' end. VCF-style (leftmost placement, unchanged base first): chr2-178709874-GAT-G. GRCh37 (hg19) VCF-style: chr2-179574601-GAT-G.
Other names: c.13657+28202AT[2] (NM_133432.3); c.24731-24AT[2] (NM_133378.4); c.27512-24AT[2] (NM_001256850.1); c.13282+28202AT[2] (NM_003319.4); c.13858+28202AT[2] (NM_133437.4); c.27512-20_27512-19delAT (NM_001256850.1).
Identifiers: ClinVar variation 516139 (VCV000516139.9), dbSNP rs769617035, ClinGen allele CA1999587.

ClinVar aggregate classification (germline): Benign/Likely benign. Review status: criteria provided, multiple submitters, no conflicts (2 of 4 stars). 2 submissions from 2 submitters: Benign (1); Likely benign (1). Last evaluated 2026-01-13.

Conditions:
Autosomal recessive limb-girdle muscular dystrophy type 2J (LGMDR10). Also called: MUSCULAR DYSTROPHY, LIMB-GIRDLE, AUTOSOMAL RECESSIVE 10; Limb-girdle muscular dystrophy, type 2J. Identifiers: Orphanet 140922, MedGen C1837342, MONDO:0012127, OMIM 608807.
Dilated cardiomyopathy 1G (CMD1G). Identifiers: Orphanet 154, MedGen C1858763, MONDO:0011400, OMIM 604145.

Submissions (2):

Labcorp Genetics (formerly Invitae), Labcorp
Classification: Likely benign for Dilated cardiomyopathy 1G; Autosomal recessive limb-girdle muscular dystrophy type 2J. Last evaluated: 2026-01-13. Review status: criteria provided, single submitter. Criteria: Invitae Variant Classification Sherloc (09022015). Collection method: clinical testing. Allele origin: germline.

GeneDx
Classification: Benign. Last evaluated: 2017-09-15. Review status: criteria provided, single submitter. Criteria: GeneDx Variant Classification (06012015). Collection method: clinical testing. Allele origin: germline. Affected: yes.
Comment: This variant is considered likely benign or benign based on one or more of the following criteria: it is a conservative change, it occurs at a poorly conserved position in the protein, it is predicted to be benign by multiple in silico algorithms, and/or has population frequency not consistent with disease.